The following is an entry in ClinVar:

NM_033305.3(VPS13A):c.6725_6727delinsGATCACAGATGTGTATAAGAGA (p.Lys2242fs)

Gene: VPS13A (vacuolar protein sorting 13 homolog A; plus strand). Cytogenetic location: 9q21.2.
Variant type: Indel.
Coding change: c.6725_6727delinsGATCACAGATGTGTATAAGAGA on transcript NM_033305.3 (MANE Select); coding-DNA positions 6725 to 6727, AGC replaced by GATCACAGATGTGTATAAGAGA.
Protein change: p.Lys2242fs; shifts the reading frame from lysine 2242.
Molecular consequence: frameshift variant.
Genome position (GRCh38, 1-based): chr9:77,339,862-77,339,864, AGC replaced by GATCACAGATGTGTATAAGAGA. VCF-style: chr9-77339862-AGC-GATCACAGATGTGTATAAGAGA. GRCh37 (hg19) VCF-style: chr9-79954778-AGC-GATCACAGATGTGTATAAGAGA.
Other names: c.6608_6610delinsGATCACAGATGTGTATAAGAGA, p.Lys2203fs (NM_001018037.2); c.6725_6727delinsGATCACAGATGTGTATAAGAGA, p.Lys2242fs (NM_001018038.3, NM_015186.4); short protein forms K2203fs, K2242fs.
Identifiers: ClinVar variation 5010748 (VCV005010748.1).
Genomic context (GRCh38, chr9:77,339,862, plus strand): 5'-GCCGCATGTTACAGTACAAAGCAGACGGAATTCATCGAAAGCATCCACCTAATTATAAAA[AGC>GATCACAGATGTGTATAAGAGA]CAGTTCTCTTTTCTTTTCAGCCAAATCACTTTTTTAATAACAATAAGGTATGCGATGTTT-3'

ClinVar aggregate classification (germline): Pathogenic (1 of 4 stars; one submission).

Conditions:
VPS13A-related neurodegenerative disease. Also called: ACANTHOCYTOSIS WITH NEUROLOGIC DISORDER; LEVINE-CRITCHLEY SYNDROME; Choreoacanthocytosis; Chorea-acanthocytosis; Choreaacanthocytosis; VPS13A Disease. Identifiers: Orphanet 2388, MedGen C0393576, MONDO:0008695, OMIM 200150.

Submission:

Myriad Genetics, Inc.
Classification: Pathogenic for VPS13A-related neurodegenerative disease. Last evaluated: 2024-05-14. Review status: criteria provided, single submitter. Criteria: Myriad Autosomal Dominant, Autosomal Recessive and X-Linked Classification Criteria (2023). Collection method: clinical testing. Allele origin: unknown.
Comment: NM_033305.2(VPS13A):c.6725_6727del3ins22(K2242Rfs*20) is expected to be pathogenic in the context of VPS13A disease. This variant is predicted to lead to an abnormal or absent protein product due to the creation of a premature termination codon in VPS13A, a gene where loss-of-function variants are known to be pathogenic. Please note: this variant was assessed in the context of healthy population screening.